The following is an entry in ClinVar:

ClinVar aggregate classification (germline): Pathogenic/Likely pathogenic. Review status: criteria provided, multiple submitters, no conflicts (2 of 4 stars). 2 submissions from 2 submitters: Pathogenic (1); Likely pathogenic (1). Last evaluated 2024-12-06.

Conditions:
Stickler syndrome type 1 (STL1). Also called: STICKLER SYNDROME, MEMBRANOUS VITREOUS TYPE; STICKLER SYNDROME, VITREOUS TYPE 1; COL2A1-Related Stickler Syndrome; ARTHROOPHTHALMOPATHY, HEREDITARY PROGRESSIVE. Identifiers: Orphanet 828, Orphanet 90653, MedGen C2020284, MONDO:0007160, OMIM 108300.

Submissions (2):

Labcorp Genetics (formerly Invitae), Labcorp
Classification: Pathogenic. Last evaluated: 2024-12-06. Review status: criteria provided, single submitter. Criteria: Invitae Variant Classification Sherloc (09022015). Collection method: clinical testing. Allele origin: germline.
Comment: This sequence change replaces glycine, which is neutral and non-polar, with serine, which is neutral and polar, at codon 822 of the COL2A1 protein (p.Gly822Ser). This variant is not present in population databases (gnomAD no frequency). This missense change has been observed in individual(s) with spondyloepiphyseal dysplasia congenita (PMID: 15895462). ClinVar contains an entry for this variant (Variation ID: 1199413). Experimental studies and prediction algorithms are not available or were not evaluated, and the functional significance of this variant is currently unknown. This variant disrupts the triple helix domain of COL2A1. Glycine residues within the Gly-Xaa-Yaa repeats of the triple helix domain are required for the structure and stability of fibrillar collagens (PMID: 7695699, 8218237, 19344236). In COL2A1, variants affecting these glycine residues are significantly enriched in individuals with disease (PMID: 9016532, 17078022) compared to the general population (ExAC). This variant disrupts the p.Gly822 amino acid residue in COL2A1. Other variant(s) that disrupt this residue have been observed in individuals with COL2A1-related conditions (PMID: 26443184, 26626311), which suggests that this may be a clinically significant amino acid residue. For these reasons, this variant has been classified as Pathogenic.

HudsonAlpha Institute for Biotechnology
Classification: Likely pathogenic for Stickler syndrome type 1. Last evaluated: 2021-07-16. Review status: criteria provided, single submitter. Criteria: ACMG Guidelines, 2015. Collection method: research. Allele origin: de novo. Affected: yes. Observed: 1 variant allele. Study: CSER-SouthSeq.
Comment: ACMG codes: PS2; PM2; PP3

Literature cited by the submitters: PubMed 15895462 (cited by Labcorp Genetics (formerly Invitae), Labcorp); PubMed 7695699 (cited by Labcorp Genetics (formerly Invitae), Labcorp); PubMed 8218237 (cited by Labcorp Genetics (formerly Invitae), Labcorp); PubMed 19344236 (cited by Labcorp Genetics (formerly Invitae), Labcorp); PubMed 9016532 (cited by Labcorp Genetics (formerly Invitae), Labcorp); PubMed 17078022 (cited by Labcorp Genetics (formerly Invitae), Labcorp); PubMed 26443184 (cited by Labcorp Genetics (formerly Invitae), Labcorp); PubMed 26626311 (cited by Labcorp Genetics (formerly Invitae), Labcorp).

NM_001844.5(COL2A1):c.2464G>A (p.Gly822Ser)

Gene: COL2A1 (collagen type II alpha 1 chain; minus strand). Cytogenetic location: 12q13.11.
Variant type: single nucleotide variant.
Coding change: c.2464G>A on transcript NM_001844.5 (MANE Select); coding-DNA position 2464, G replaced by A.
Protein change: p.Gly822Ser; replaces glycine 822 with serine.
Molecular consequence: missense variant.
Genome position (GRCh38, 1-based): chr12:47,980,968, C>T on the plus strand (G>A on the coding strand, the complement: COL2A1 is on the minus strand). VCF-style: chr12-47980968-C-T. GRCh37 (hg19) VCF-style: chr12-48374751-C-T.
Other names: c.2257G>A, p.Gly753Ser (NM_033150.3); short protein forms G753S, G822S.
Identifiers: ClinVar variation 1199413 (VCV001199413.3), dbSNP rs2136539942, ClinGen allele CA384545069.